The following is an entry in ClinVar:

NM_001940.4(ATN1):c.2007C>T (p.Thr669=)

Gene: ATN1 (atrophin 1; plus strand). Cytogenetic location: 12p13.31.
Variant type: single nucleotide variant.
Coding change: c.2007C>T on transcript NM_001940.4 (MANE Select); coding-DNA position 2007, C replaced by T.
Protein change: p.Thr669=; no amino-acid change (threonine 669 retained).
Molecular consequence: synonymous variant.
Genome position (GRCh38, 1-based): chr12:6,937,274, C>T. VCF-style: chr12-6937274-C-T. GRCh37 (hg19) VCF-style: chr12-7046437-C-T.
Other names: p.Thr669=; c.2007C>T, p.Thr669= (NM_001007026.2, NM_001424176.1, NM_001424177.1 and 1 more transcripts); c.2004C>T, p.Thr668= (NM_001424179.1, NM_001424180.1).
Identifiers: ClinVar variation 4683716 (VCV004683716.1).
Genomic context (GRCh38, chr12:6,937,274, plus strand): 5'-CAAGACAGCCACCCCACCCGGATACAAACCCGGGTCGCCTCCCTCCTTCCGAACGGGGAC[C>T]CCACCGGGCTATCGAGGAACCTCGCCACCTGCAGGCCCAGGGACCTTCAAGCCGGGCTCG-3'
Protein context (NP_001931.2, residues 659-679): PGSPPSFRTG[Thr669=]PPGYRGTSPP

ClinVar aggregate classification (germline): Likely benign (1 of 4 stars; one submission).

Submission:

Mayo Clinic Laboratories, Mayo Clinic
Classification: Likely benign. Last evaluated: 2025-06-03. Review status: criteria provided, single submitter. Criteria: ACMG Guidelines, 2015. Collection method: clinical testing. Allele origin: germline. Observed: 1 variant allele.
Comment: BS1, BP4, BP7